The following is an entry in ClinVar:

NC_000014.9:g.(?_54865307)_(54865456_?)del

Gene: GCH1 (GTP cyclohydrolase 1; minus strand). Cytogenetic location: 14q22.2.
Variant type: Deletion.
Identifiers: ClinVar variation 465757 (VCV000465757.9).

ClinVar aggregate classification (germline): Pathogenic (1 of 4 stars; one submission).

Conditions:
GTP cyclohydrolase I deficiency. Identifiers: MedGen C0268467, MONDO:0100184.
Dystonia 5 (DRD). Also called: DYSTONIA, PROGRESSIVE, WITH DIURNAL VARIATION; DYSTONIA-PARKINSONISM WITH DIURNAL FLUCTUATION; GTP Cyclohydrolase 1-Deficient Dopa-Responsive Dystonia; Dystonia, DOPA-responsive, with or without hyperphenylalaninemia; DYT-GCH1. Identifiers: Orphanet 98808, MedGen C1851920, MONDO:0007495, OMIM 128230.

Submission:

Labcorp Genetics (formerly Invitae), Labcorp
Classification: Pathogenic for GTP cyclohydrolase I deficiency; Dystonia 5. Last evaluated: 2022-02-21. Review status: criteria provided, single submitter. Criteria: Invitae Variant Classification Sherloc (09022015). Collection method: clinical testing. Allele origin: germline.
Comment: A similar copy number variant has been observed in individuals with dystonia (PMID: 20108370; Invitae). This variant is a gross deletion of the genomic region encompassing exon(s) 2 of the GCH1 gene. This deletion is out-of-frame, and is expected to create a premature termination codon and result in an absent or disrupted protein product. Loss-of-function variants in GCH1 are known to be pathogenic (PMID: 9667588, 19332422, 19491146, 25557619). For these reasons, this variant has been classified as Pathogenic.

Literature cited by the submitters: PubMed 20108370; PubMed 9667588; PubMed 19332422; PubMed 19491146; PubMed 25557619.